The following is an entry in ClinVar:

NM_018979.4(WNK1):c.6041C>T (p.Pro2014Leu)

Gene: WNK1 (WNK lysine deficient protein kinase 1; plus strand). Cytogenetic location: 12p13.33.
Variant type: single nucleotide variant.
Coding change: c.6041C>T on transcript NM_018979.4 (MANE Select); coding-DNA position 6041, C replaced by T.
Protein change: p.Pro2014Leu; replaces proline 2014 with leucine.
Molecular consequence: missense variant.
Genome position (GRCh38, 1-based): chr12:896,528, C>T. VCF-style: chr12-896528-C-T. GRCh37 (hg19) VCF-style: chr12-1005694-C-T.
Other names: c.6821C>T, p.Pro2274Leu (NM_001184985.2); c.5297C>T, p.Pro1766Leu (NM_014823.3); c.6797C>T, p.Pro2266Leu (NM_213655.5); short protein forms P1766L, P2266L, P2014L, P2274L.
Identifiers: ClinVar variation 2938136 (VCV002938136.3), dbSNP rs909810117, ClinGen allele CA231486687.

ClinVar aggregate classification (germline): Uncertain significance (1 of 4 stars; one submission).

Conditions:
Neuropathy, hereditary sensory and autonomic, type 2A (HSAN2A). Also called: ACROOSTEOLYSIS, GIACCAI TYPE; ACROOSTEOLYSIS, NEUROGENIC; MORVAN DISEASE; NEUROPATHY, CONGENITAL SENSORY; NEUROPATHY, HEREDITARY SENSORY RADICULAR, AUTOSOMAL RECESSIVE; NEUROPATHY, HEREDITARY SENSORY, TYPE IIA. Identifiers: Orphanet 970, MedGen C2752089, MONDO:0024309, OMIM 201300.
Pseudohypoaldosteronism type 2C (PHA2C). Also called: Pseudohypoaldosteronism Type IIC. Identifiers: Orphanet 757, Orphanet 88940, MedGen C1840391, MONDO:0013778, OMIM 614492.

Allele frequency attached by ClinVar (database versions not stated): gnomAD exomes 0.00001; TOPMed 0.00006; gnomAD 0.00007.
gnomAD v4.1: 26 of 1,613,144 alleles (0.0016%); highest among the groups gnomAD compares: African/African-American, 0.016%; no homozygotes.

Submission:

Labcorp Genetics (formerly Invitae), Labcorp
Classification: Uncertain significance for Neuropathy, hereditary sensory and autonomic, type 2A; Pseudohypoaldosteronism type 2C. Last evaluated: 2024-05-12. Review status: criteria provided, single submitter. Criteria: Invitae Variant Classification Sherloc (09022015). Collection method: clinical testing. Allele origin: germline.
Comment: This sequence change replaces proline, which is neutral and non-polar, with leucine, which is neutral and non-polar, at codon 2266 of the WNK1 protein (p.Pro2266Leu). This variant is present in population databases (no rsID available, gnomAD 0.03%). This variant has not been reported in the literature in individuals affected with WNK1-related conditions. Advanced modeling of protein sequence and biophysical properties (such as structural, functional, and spatial information, amino acid conservation, physicochemical variation, residue mobility, and thermodynamic stability) performed at Invitae indicates that this missense variant is not expected to disrupt WNK1 protein function with a negative predictive value of 95%. In summary, the available evidence is currently insufficient to determine the role of this variant in disease. Therefore, it has been classified as a Variant of Uncertain Significance.